The following is an entry in ClinVar:

NM_000289.6(PFKM):c.1294C>T (p.Arg432Ter)

Gene: PFKM (phosphofructokinase, muscle; plus strand). Cytogenetic location: 12q13.11.
Variant type: single nucleotide variant.
Coding change: c.1294C>T on transcript NM_000289.6 (MANE Select); coding-DNA position 1294, C replaced by T.
Protein change: p.Arg432Ter; replaces arginine 432 with a stop codon.
Molecular consequence: nonsense. On other transcripts: non-coding transcript variant (6).
Genome position (GRCh38, 1-based): chr12:48,140,824, C>T. VCF-style: chr12-48140824-C-T. GRCh37 (hg19) VCF-style: chr12-48534607-C-T.
Other names: c.1294C>T (NM_000289.5); c.1507C>T, p.Arg503Ter (NM_001166686.2, NM_001354737.1, NM_001354738.1 and 1 more transcripts); c.1294C>T, p.Arg432Ter (NM_001166687.2, NM_001166688.2, NM_001354742.2 and 2 more transcripts); c.1603C>T, p.Arg535Ter (NM_001354735.1, NM_001354736.1); c.1438C>T, p.Arg480Ter (NM_001354740.1); c.1318C>T, p.Arg440Ter (NM_001354741.2); c.1207C>T, p.Arg403Ter (NM_001354745.2); c.1168C>T, p.Arg390Ter (NM_001354746.2); and 2 more; short protein forms R390*, R401*, R440*, R382*, R403*, R480*, R503*, R535*.
Identifiers: ClinVar variation 1402514 (VCV001402514.10), dbSNP rs41291965, ClinGen allele CA6537302.

ClinVar aggregate classification (germline): Pathogenic/Likely pathogenic. Review status: criteria provided, multiple submitters, no conflicts (2 of 4 stars). 2 submissions from 2 submitters: Pathogenic (1); Likely pathogenic (1). Last evaluated 2025-10-22.

Conditions:
Glycogen storage disease, type VII (GSD7). Also called: TARUI DISEASE; GSD VII; MUSCLE PHOSPHOFRUCTOKINASE DEFICIENCY; PFKM DEFICIENCY. Identifiers: Orphanet 371, MedGen C0017926, MONDO:0009295, OMIM 232800.

Allele frequency attached by ClinVar (database versions not stated): TOPMed below 0.00001; ExAC 0.00002; 1000 Genomes Project 30x 0.00031; gnomAD exomes 0.00001; gnomAD 0.00002 and 0.00001.
gnomAD v4.1: 16 of 1,614,152 alleles (0.00099%); highest among the groups gnomAD compares: East Asian, 0.0045%; no homozygotes.

Submissions (2):

Natera, Inc.
Classification: Likely pathogenic for Glycogen storage disease type VII. Last evaluated: 2025-10-22. Review status: criteria provided, single submitter. Criteria: Natera Variant Classification Schema (03/2026). Collection method: clinical testing. Allele origin: germline.
Comment: The c.1294C>T variant in PFKM is a nonsense variant predicted to introduce a stop codon at amino acid 432. This variant is expected to result in nonsense mediated decay, truncation, or a dysfunctional protein product. This variant is rare in the general population with a frequency below the threshold expected for the associated phenotype(s). Given the available evidence, this variant is classified as Likely Pathogenic.

Labcorp Genetics (formerly Invitae), Labcorp
Classification: Pathogenic for Glycogen storage disease, type VII. Last evaluated: 2022-05-19. Review status: criteria provided, single submitter. Criteria: Invitae Variant Classification Sherloc (09022015). Collection method: clinical testing. Allele origin: germline.
Comment: This sequence change creates a premature translational stop signal (p.Arg432*) in the PFKM gene. It is expected to result in an absent or disrupted protein product. Loss-of-function variants in PFKM are known to be pathogenic (PMID: 7825568, 8037209). This variant is present in population databases (rs41291965, gnomAD 0.005%). This variant has not been reported in the literature in individuals affected with PFKM-related conditions. For these reasons, this variant has been classified as Pathogenic.

Literature cited by the submitters: PubMed 7825568 (cited by Labcorp Genetics (formerly Invitae), Labcorp); PubMed 8037209 (cited by Labcorp Genetics (formerly Invitae), Labcorp).